The following is an entry in ClinVar:

ClinVar aggregate classification (germline): Likely benign. Review status: criteria provided, multiple submitters, no conflicts (2 of 4 stars). 4 submissions from 4 submitters: Likely benign (4). Last evaluated 2026-04-15.

Allele frequency attached by ClinVar (database versions not stated): 1000 Genomes Project 30x 0.00422; 1000 Genomes Project 0.00439; TOPMed 0.00503; gnomAD 0.00507 and 0.00527; ExAC 0.00526; gnomAD exomes 0.00544 and 0.00807; ESP Exome Variant Server 0.00646.
gnomAD v4.1: 12,641 of 1,614,150 alleles (0.78%); highest among the groups gnomAD compares: Non-Finnish European, 0.9%; 63 homozygotes.

Submissions (4):

Women's Health and Genetics/Laboratory Corporation of America, LabCorp
Classification: Likely benign. Last evaluated: 2026-04-15. Review status: criteria provided, single submitter. Criteria: LabCorp Variant Classification Summary - May 2015. Collection method: clinical testing. Allele origin: germline.

Labcorp Genetics (formerly Invitae), Labcorp
Classification: Likely benign. Last evaluated: 2026-02-01. Review status: criteria provided, single submitter. Criteria: Invitae Variant Classification Sherloc (09022015). Collection method: clinical testing. Allele origin: germline.

CeGaT Center for Human Genetics Tuebingen
Classification: Likely benign. Last evaluated: 2026-01-01. Review status: criteria provided, single submitter. Criteria: CeGaT Center For Human Genetics Tuebingen Variant Classification Criteria Version 2. Collection method: clinical testing. Allele origin: germline. Affected: yes. Observed: 6 variant alleles.
Comment: ALPK1: BS2

Breakthrough Genomics
Classification: Likely benign. Review status: criteria provided, single submitter. Criteria: ACMG Guidelines, 2015. Collection method: not provided. Allele origin: germline. Inheritance: Autosomal dominant inheritance. Affected: yes.

NM_025144.4(ALPK1):c.200A>G (p.Gln67Arg)

Gene: ALPK1 (alpha kinase 1; plus strand). Cytogenetic location: 4q25.
Variant type: single nucleotide variant.
Coding change: c.200A>G on transcript NM_025144.4 (MANE Select); coding-DNA position 200, A replaced by G.
Protein change: p.Gln67Arg; replaces glutamine 67 with arginine.
Molecular consequence: missense variant. On other transcripts: intron variant (1).
Genome position (GRCh38, 1-based): chr4:112,382,476, A>G. VCF-style: chr4-112382476-A-G. GRCh37 (hg19) VCF-style: chr4-113303632-A-G.
Other names: c.200A>G, p.Gln67Arg (NM_001102406.2); c.42+4578A>G (NM_001253884.2); short protein forms Q67R.
Identifiers: ClinVar variation 771706 (VCV000771706.33), dbSNP rs33943680, ClinGen allele CA3046282.
Genomic context (GRCh38, chr4:112,382,476, plus strand): 5'-TAAGGACCCTGATCCAGGAGGCAAAGGAAATGAAGTGGCCCTTCGTGCCTGAAAAGTGGC[A>G]GTACAAACAAGCCGTGGGCCCAGAGGACAAAACAAACCTGAAGGATGTGATTGGCGCCGG-3'
Protein context (NP_079420.3, residues 57-77): MKWPFVPEKW[Gln67Arg]YKQAVGPEDK